The following is an entry in ClinVar:

ClinVar aggregate classification (germline): Likely benign (0 of 4 stars; one submission).

Conditions:
SCRIB-related disorder. Also called: SCRIB-related condition.

Submission:

PreventionGenetics, part of Exact Sciences
Classification: Likely benign for SCRIB-related condition. Last evaluated: 2019-05-04. Review status: no assertion criteria provided. Collection method: clinical testing. Allele origin: germline.
Comment: This variant is classified as likely benign based on ACMG/AMP sequence variant interpretation guidelines (Richards et al. 2015 PMID: 25741868, with internal and published modifications).

NM_182706.5(SCRIB):c.3715-19TGCTC[4]

Gene: SCRIB (scribble planar cell polarity protein; minus strand). Cytogenetic location: 8q24.3.
Variant type: Microsatellite.
Coding change: c.3715-19TGCTC[4] on transcript NM_182706.5 (MANE Select); four copies in a row of the 5-base unit TGCTC starting at c.3715-19; the reference has three copies in a row; one copy, 5 bases duplicated.
Molecular consequence: intron variant.
Genome position (GRCh38, 1-based): chr8:143,795,338-143,795,342, GAGCA duplicated on the plus strand (TGCTC on the coding strand, the reverse complement: SCRIB is on the minus strand); duplicating any 5 consecutive bases within chr8:143,795,338-143,795,354 gives the same sequence; the position shown is the placement nearest the transcript's 3' end. VCF-style (leftmost placement, unchanged base first): chr8-143795337-T-TGAGCA. GRCh37 (hg19) VCF-style: chr8-144877507-T-TGAGCA.
Other names: c.3715-19TGCTC[4] (NM_015356.5).
Identifiers: ClinVar variation 3038418 (VCV003038418.2), dbSNP rs370897801, ClinGen allele CA4918575.